The following is an entry in ClinVar:

ClinVar aggregate classification (germline): Uncertain significance (1 of 4 stars; one submission).

Conditions:
Hereditary cancer-predisposing syndrome. Also called: Hereditary Cancer Syndrome; Hereditary neoplastic syndrome; Tumor predisposition; Neoplastic Syndromes, Hereditary. Identifiers: Orphanet 140162, MedGen C0027672, MeSH D009386, MONDO:0015356.

Submission:

Ambry Genetics
Classification: Uncertain significance for Hereditary cancer-predisposing syndrome. Last evaluated: 2019-05-15. Review status: criteria provided, single submitter. Criteria: Ambry Variant Classification Scheme 2023. Collection method: clinical testing. Allele origin: germline.
Comment: The p.T84I variant (also known as c.251C>T) is located in coding exon 4 of the PMS2 gene. The threonine at codon 84 is replaced by isoleucine, an amino acid with similar properties. This change occurs in the first base pair of coding exon 4. This amino acid position is well conserved in available vertebrate species. In addition, the in silico prediction for this alteration is inconclusive. Since supporting evidence is limited at this time, the clinical significance of this alteration remains unclear.

NM_000535.7(PMS2):c.251C>T (p.Thr84Ile)

Gene: PMS2 (PMS1 homolog 2, mismatch repair system component; minus strand). Cytogenetic location: 7p22.1.
Variant type: single nucleotide variant.
Coding change: c.251C>T on transcript NM_000535.7 (MANE Select); coding-DNA position 251, C replaced by T.
Protein change: p.Thr84Ile; replaces threonine 84 with isoleucine.
Molecular consequence: missense variant. On other transcripts: 5 prime UTR variant (9), non-coding transcript variant (1), intron variant (2).
Genome position (GRCh38, 1-based): chr7:6,003,792, G>A on the plus strand (C>T on the coding strand, the complement: PMS2 is on the minus strand). VCF-style: chr7-6003792-G-A. GRCh37 (hg19) VCF-style: chr7-6043423-G-A.
Other names: c.-155C>T (NM_001018040.1, NM_001322003.2, NM_001322004.2 and 14 more transcripts); c.251C>T, p.Thr84Ile (NM_001322006.2, NM_001322014.2, NM_001406869.1 and 8 more transcripts); c.-634C>T (NM_001322011.2, NM_001322012.2); c.-234C>T (NM_001322015.2, NM_001406875.1, NM_001406877.1 and 3 more transcripts); c.437C>T, p.Thr146Ile (NM_001406866.1); c.275C>T, p.Ala92Val (NM_001406868.1); c.-181C>T (NM_001406880.1); c.-102C>T (NM_001406888.1, NM_001406889.1, NM_001406892.1 and 6 more transcripts); and 2 more; short protein forms T146I, T84I, A92V.
Identifiers: ClinVar variation 1792512 (VCV001792512.2), dbSNP rs864622274, ClinGen allele CA366744732.